The following is an entry in ClinVar:

NM_177438.3(DICER1):c.1598del (p.Leu533fs)

Gene: DICER1 (dicer 1, ribonuclease III; minus strand). Cytogenetic location: 14q32.13.
Variant type: Deletion.
Coding change: c.1598del on transcript NM_177438.3 (MANE Select); coding-DNA position 1598, one base deleted (T; older notation c.1598delT).
Protein change: p.Leu533fs; shifts the reading frame from leucine 533.
Molecular consequence: frameshift variant. On other transcripts: non-coding transcript variant (6), intron variant (1).
Genome position (GRCh38, 1-based): chr14:95,116,607, A deleted on the plus strand (T on the coding strand, the reverse complement: DICER1 is on the minus strand); the first of 2 consecutive A bases (chr14:95,116,607-95,116,608); deleting either gives the same sequence. VCF-style (leftmost placement, unchanged base first): chr14-95116606-CA-C. GRCh37 (hg19) VCF-style: chr14-95582943-CA-C.
Other names: c.-59-27del (NM_001395697.1); c.1598del, p.Leu533fs (NM_001195573.1, NM_001271282.3, NM_001291628.2 and 12 more transcripts); c.1597delT, p.Leu533Trpfs (NM_001395681.1); c.1316del, p.Leu439fs (NM_001395686.1); c.1193del, p.Leu398fs (NM_001395687.1, NM_001395688.1, NM_001395689.1 and 3 more transcripts); c.1031del, p.Leu344fs (NM_001395691.1); short protein forms L344fs, L398fs, L439fs, L533fs.
Identifiers: ClinVar variation 2817253 (VCV002817253.4), dbSNP rs2543033749, ClinGen allele CA2739270816.

ClinVar aggregate classification (germline): Pathogenic/Likely pathogenic. Review status: criteria provided, multiple submitters, no conflicts (2 of 4 stars). 2 submissions from 2 submitters: Pathogenic (1); Likely pathogenic (1). Last evaluated 2023-01-23.

Conditions:
DICER1-related tumor predisposition. Also called: DICER1-related pleuropulmonary blastoma cancer predisposition syndrome; DICER1 syndrome. Identifiers: Orphanet 284343, MedGen C3839822, MONDO:0100216.

Submissions (2):

Labcorp Genetics (formerly Invitae), Labcorp
Classification: Pathogenic for DICER1-related tumor predisposition. Last evaluated: 2023-01-23. Review status: criteria provided, single submitter. Criteria: Invitae Variant Classification Sherloc (09022015). Collection method: clinical testing. Allele origin: germline.
Comment: For these reasons, this variant has been classified as Pathogenic. This variant has not been reported in the literature in individuals affected with DICER1-related conditions. This variant is not present in population databases (gnomAD no frequency). This sequence change creates a premature translational stop signal (p.Leu533Trpfs*29) in the DICER1 gene. It is expected to result in an absent or disrupted protein product. Loss-of-function variants in DICER1 are known to be pathogenic (PMID: 19556464, 21266384).

Institute for Genomic Medicine (IGM) Clinical Laboratory, Nationwide Children's Hospital
Classification: Likely pathogenic for DICER1-related tumor predisposition. Last evaluated: 2022-12-23. Review status: criteria provided, single submitter. Criteria: ACMG Guidelines, 2015. Collection method: clinical testing. Allele origin: germline.
Comment: This variant is predicted to result in loss of function through nonsense-mediated decay of the encoded transcript or premature truncation of the encoded protein in a gene in which loss of function is a known mechanism of disease (ACMG/AMP: PVS1; PMIDs:31342592, 21266384). This variant is absent from or present at an exceedingly low frequency in gnomAD, a large-scale control population database (ACMG/AMP: PM2).

Literature cited by the submitters: PubMed 19556464 (cited by Labcorp Genetics (formerly Invitae), Labcorp); PubMed 21266384 (cited by Labcorp Genetics (formerly Invitae), Labcorp and Institute for Genomic Medicine (IGM) Clinical Laboratory, Nationwide Children's Hospital); PubMed 31342592 (cited by Institute for Genomic Medicine (IGM) Clinical Laboratory, Nationwide Children's Hospital).